The following is an entry in ClinVar:

NM_032242.4(PLXNA1):c.2486del (p.Gly829fs)

Gene: PLXNA1 (plexin A1; plus strand). Cytogenetic location: 3q21.3.
Variant type: Deletion.
Coding change: c.2486del on transcript NM_032242.4 (MANE Select); coding-DNA position 2486, one base deleted (G; older notation c.2486delG).
Protein change: p.Gly829fs; shifts the reading frame from glycine 829.
Molecular consequence: frameshift variant.
Genome position (GRCh38, 1-based): chr3:127,014,257, G deleted; the last of 2 consecutive G bases (chr3:127,014,256-127,014,257); deleting either gives the same sequence. VCF-style (leftmost placement, unchanged base first): chr3-127014255-CG-C. GRCh37 (hg19) VCF-style: chr3-126733098-CG-C.
Other names: short protein forms G829fs.
Identifiers: ClinVar variation 1393762 (VCV001393762.1), dbSNP rs2107631669, ClinGen allele CA2573136498.

ClinVar aggregate classification (germline): Pathogenic (1 of 4 stars; one submission).

Submission:

Labcorp Genetics (formerly Invitae), Labcorp
Classification: Pathogenic. Last evaluated: 2021-12-15. Review status: criteria provided, single submitter. Criteria: Invitae Variant Classification Sherloc (09022015). Collection method: clinical testing. Allele origin: germline.
Comment: This sequence change creates a premature translational stop signal (p.Gly829Aspfs*131) in the PLXNA1 gene. It is expected to result in an absent or disrupted protein product. Loss-of-function variants in PLXNA1 are known to be pathogenic (PMID: 34054129). This variant is not present in population databases (gnomAD no frequency). This variant has not been reported in the literature in individuals affected with PLXNA1-related conditions. For these reasons, this variant has been classified as Pathogenic.

Literature cited by the submitters: PubMed 34054129.